The following is an entry in ClinVar:

NM_000540.3(RYR1):c.749C>T (p.Ala250Val)

Gene: RYR1 (ryanodine receptor 1; plus strand). Cytogenetic location: 19q13.2.
Variant type: single nucleotide variant.
Coding change: c.749C>T on transcript NM_000540.3 (MANE Select); coding-DNA position 749, C replaced by T.
Protein change: p.Ala250Val; replaces alanine 250 with valine.
Molecular consequence: missense variant.
Genome position (GRCh38, 1-based): chr19:38,446,717, C>T. VCF-style: chr19-38446717-C-T. GRCh37 (hg19) VCF-style: chr19-38937357-C-T.
Other names: c.749C>T, p.Ala250Val (NM_001042723.2); short protein forms A250V.
Identifiers: ClinVar variation 4528163 (VCV004528163.1).
Genomic context (GRCh38, chr19:38,446,717, plus strand): 5'-GCTGAACCCTTGACTTCACTCTCTTCTGTGTCCCCAGACTTGTCTACTATGAGGGGGGAG[C>T]TGTGTGCACTCATGCCCGCTCCCTCTGGAGGCTGGAGCCACTGAGAATCAGGTAGGGCGG-3'
Protein context (NP_000531.2, residues 240-260): QRRLVYYEGG[Ala250Val]VCTHARSLWR

ClinVar aggregate classification (germline): Uncertain significance (1 of 4 stars; one submission).

Submission:

GeneDx
Classification: Uncertain significance. Last evaluated: 2025-05-08. Review status: criteria provided, single submitter. Criteria: GeneDx Variant Classification Process June 2021. Collection method: clinical testing. Allele origin: germline. Affected: yes.
Comment: Not observed at significant frequency in large population cohorts (gnomAD); In silico analysis supports that this missense variant has a deleterious effect on protein structure/function; Has not been previously published as pathogenic or benign to our knowledge; This variant is associated with the following publications: (PMID: 33767344)